The following is an entry in ClinVar:

ClinVar aggregate classification (germline): Uncertain significance (1 of 4 stars; one submission).

Conditions:
Megaconial type congenital muscular dystrophy (MDCMC). Also called: CHKB-Related Muscle Diseases; MUSCULAR DYSTROPHY, CONGENITAL, WITH MITOCHONDRIAL STRUCTURAL ABNORMALITIES; CHKB-Related Muscular Dystrophy. Identifiers: Orphanet 280671, MedGen C1865233, MONDO:0011246, OMIM 602541.

Allele frequency attached by ClinVar (database versions not stated): TOPMed below 0.00001; gnomAD exomes 0.00001.
gnomAD v4.1: 3 of 1,613,814 alleles (0.00019%); highest among the groups gnomAD compares: Non-Finnish European, 0.00025%; no homozygotes.

Submission:

Labcorp Genetics (formerly Invitae), Labcorp
Classification: Uncertain significance for Megaconial type congenital muscular dystrophy. Last evaluated: 2022-04-25. Review status: criteria provided, single submitter. Criteria: Invitae Variant Classification Sherloc (09022015). Collection method: clinical testing. Allele origin: germline.
Comment: This variant is present in population databases (no rsID available, gnomAD 0.0009%). In summary, the available evidence is currently insufficient to determine the role of this variant in disease. Therefore, it has been classified as a Variant of Uncertain Significance. Algorithms developed to predict the effect of missense changes on protein structure and function output the following: SIFT: "Tolerated"; PolyPhen-2: "Benign"; Align-GVGD: "Class C0". The asparagine amino acid residue is found in multiple mammalian species, which suggests that this missense change does not adversely affect protein function. This variant has not been reported in the literature in individuals affected with CHKB-related conditions. This sequence change replaces serine, which is neutral and polar, with asparagine, which is neutral and polar, at codon 390 of the CHKB protein (p.Ser390Asn).

NM_005198.5(CHKB):c.1169G>A (p.Ser390Asn)

Genes: CHKB-CPT1B (CHKB-CPT1B readthrough (NMD candidate); minus strand), CHKB (choline kinase beta; minus strand). Cytogenetic location: 22q13.33.
Variant type: single nucleotide variant.
Coding change: c.1169G>A on transcript NM_005198.5 (MANE Select); coding-DNA position 1169, G replaced by A.
Protein change: p.Ser390Asn; replaces serine 390 with asparagine.
Molecular consequence: missense variant. On other transcripts: non-coding transcript variant (1).
Genome position (GRCh38, 1-based): chr22:50,579,200, C>T on the plus strand (G>A on the coding strand, the complement: CHKB is on the minus strand). VCF-style: chr22-50579200-C-T. GRCh37 (hg19) VCF-style: chr22-51017629-C-T.
Other names: short protein forms S390N.
Identifiers: ClinVar variation 2101239 (VCV002101239.4), dbSNP rs1225733348, ClinGen allele CA412193996.